The following is an entry in ClinVar:

NM_201253.3(CRB1):c.2536G>A (p.Gly846Arg)

Gene: CRB1 (crumbs cell polarity complex component 1; plus strand). Cytogenetic location: 1q31.3.
Variant type: single nucleotide variant.
Coding change: c.2536G>A on transcript NM_201253.3 (MANE Select); coding-DNA position 2536, G replaced by A.
Protein change: p.Gly846Arg; replaces glycine 846 with arginine.
Molecular consequence: missense variant. On other transcripts: non-coding transcript variant (2), intron variant (1).
Genome position (GRCh38, 1-based): chr1:197,427,861, G>A. VCF-style: chr1-197427861-G-A. GRCh37 (hg19) VCF-style: chr1-197396991-G-A.
Other names: NC_000001.11:g.197427861G>A; NP_957705.1:p.(Gly846Arg); c.2200G>A, p.Gly734Arg (NM_001193640.2); c.2329G>A, p.Gly777Arg (NM_001257965.2); c.2128+5905G>A (NM_001257966.2); short protein forms G734R, G846R, G777R.
Identifiers: ClinVar variation 1455364 (VCV001455364.11), dbSNP rs539189291, ClinGen allele CA1312134.

ClinVar aggregate classification (germline): Pathogenic/Likely pathogenic. Review status: criteria provided, multiple submitters, no conflicts (2 of 4 stars). 3 submissions from 3 submitters: Pathogenic (2); Likely pathogenic (1). Last evaluated 2024-05-27.

Conditions:
Retinitis pigmentosa 12 (RP12). Also called: RP WITH OR WITHOUT PPRPE; RP WITH OR WITHOUT PRESERVED PARAARTERIOLE RETINAL PIGMENT EPITHELIUM; RETINITIS PIGMENTOSA WITH OR WITHOUT PARAARTERIOLAR PRESERVATION OF RETINAL PIGMENT EPITHELIUM. Identifiers: Orphanet 791, MedGen C1838647, MONDO:0010818, OMIM 600105.
Leber congenital amaurosis 8 (LCA8). Identifiers: Orphanet 65, MedGen C3151202, MONDO:0013453, OMIM 613835.
Retinal dystrophy. Also called: Inherited retinal dystrophy. Identifiers: Orphanet 71862, MedGen C0854723, MeSH D058499, MONDO:0019118, HP:0000556.
CRB1-related disorder. Also called: CRB1-related disorders; CRB1-related condition.

Allele frequency attached by ClinVar (database versions not stated): ExAC 0.00001; gnomAD 0.00001; gnomAD exomes 0.00001; 1000 Genomes Project 30x 0.00016; 1000 Genomes Project 0.00020.
gnomAD v4.1: 8 of 1,613,944 alleles (0.0005%); highest among the groups gnomAD compares: South Asian, 0.0066%; no homozygotes.

Submissions (3):

Ophthalmic Genetics Group, Institute of Molecular and Clinical Ophthalmology Basel
Classification: Likely pathogenic for Retinal dystrophy. Last evaluated: 2024-05-27. Review status: criteria provided, single submitter. Criteria: ACMG Guidelines, 2015. Collection method: research. Allele origin: germline. Affected: yes. Observed: 2 variant alleles.
Comment: This variant was classified as Likely pathogenic based on ACMG criteria: PM1_mod, PM2_mod, PM5_mod, PP2_sup and PP5_sup

Labcorp Genetics (formerly Invitae), Labcorp
Classification: Pathogenic for Leber congenital amaurosis 8; Retinitis pigmentosa 12. Last evaluated: 2023-09-29. Review status: criteria provided, single submitter. Criteria: Invitae Variant Classification Sherloc (09022015). Collection method: clinical testing. Allele origin: germline.
Comment: This missense change has been observed in individuals with CRB1-related conditions (PMID: 12573663, 20956273, 28341476). It has also been observed to segregate with disease in related individuals. This variant is present in population databases (rs539189291, gnomAD 0.01%). For these reasons, this variant has been classified as Pathogenic. Advanced modeling of protein sequence and biophysical properties (such as structural, functional, and spatial information, amino acid conservation, physicochemical variation, residue mobility, and thermodynamic stability) performed at Invitae indicates that this missense variant is expected to disrupt CRB1 protein function. ClinVar contains an entry for this variant (Variation ID: 1455364). This sequence change replaces glycine, which is neutral and non-polar, with arginine, which is basic and polar, at codon 846 of the CRB1 protein (p.Gly846Arg).

Blueprint Genetics
Classification: Pathogenic for CRB1-related disorders. Last evaluated: 2023-02-10. Review status: criteria provided, single submitter. Criteria: ACMG Guidelines, 2015. Collection method: clinical testing. Allele origin: germline. Affected: yes. Observed: 5 variant alleles.

Literature cited by the submitters: PubMed 40180963 (cited by Ophthalmic Genetics Group, Institute of Molecular and Clinical Ophthalmology Basel); PubMed 12573663 (cited by Labcorp Genetics (formerly Invitae), Labcorp); PubMed 20956273 (cited by Labcorp Genetics (formerly Invitae), Labcorp); PubMed 28341476 (cited by Labcorp Genetics (formerly Invitae), Labcorp).